The following is an entry in ClinVar:

NM_000212.3(ITGB3):c.1671C>A (p.Tyr557Ter)

Gene: ITGB3 (integrin subunit beta 3; plus strand). Cytogenetic location: 17q21.32.
Variant type: single nucleotide variant.
Coding change: c.1671C>A on transcript NM_000212.3 (MANE Select); coding-DNA position 1671, C replaced by A.
Protein change: p.Tyr557Ter; replaces tyrosine 557 with a stop codon.
Molecular consequence: nonsense.
Genome position (GRCh38, 1-based): chr17:47,292,549, C>A. VCF-style: chr17-47292549-C-A. GRCh37 (hg19) VCF-style: chr17-45369915-C-A.
Other names: short protein forms Y557*.
Identifiers: ClinVar variation 2866783 (VCV002866783.3), dbSNP rs2547619255, ClinGen allele CA400030304.

ClinVar aggregate classification (germline): Pathogenic (1 of 4 stars; one submission).

Submission:

Labcorp Genetics (formerly Invitae), Labcorp
Classification: Pathogenic. Last evaluated: 2024-01-22. Review status: criteria provided, single submitter. Criteria: Invitae Variant Classification Sherloc (09022015). Collection method: clinical testing. Allele origin: germline.
Comment: This sequence change creates a premature translational stop signal (p.Tyr557*) in the ITGB3 gene. It is expected to result in an absent or disrupted protein product. Loss-of-function variants in ITGB3 are known to be pathogenic (PMID: 21917754). This variant is not present in population databases (gnomAD no frequency). This variant has not been reported in the literature in individuals affected with ITGB3-related conditions. For these reasons, this variant has been classified as Pathogenic.

Literature cited by the submitters: PubMed 21917754.